The following is an entry in ClinVar:

NM_000218.3(KCNQ1):c.310A>C (p.Thr104Pro)

Gene: KCNQ1 (potassium voltage-gated channel subfamily Q member 1; plus strand). Cytogenetic location: 11p15.5.
Variant type: single nucleotide variant.
Coding change: c.310A>C on transcript NM_000218.3 (MANE Select); coding-DNA position 310, A replaced by C.
Protein change: p.Thr104Pro; replaces threonine 104 with proline.
Molecular consequence: missense variant. On other transcripts: 5 prime UTR variant (1).
Genome position (GRCh38, 1-based): chr11:2,445,408, A>C. VCF-style: chr11-2445408-A-C. GRCh37 (hg19) VCF-style: chr11-2466638-A-C.
Other names: c.310A>C, p.Thr104Pro (NM_001406836.1, NM_001406838.1); c.-53A>C (NM_001406837.1); short protein forms T104P.
Identifiers: ClinVar variation 4085237 (VCV004085237.8).

ClinVar aggregate classification (germline): Uncertain significance (1 of 4 stars; one submission).

Submission:

CeGaT Center for Human Genetics Tuebingen
Classification: Uncertain significance. Last evaluated: 2025-06-01. Review status: criteria provided, single submitter. Criteria: CeGaT Center For Human Genetics Tuebingen Variant Classification Criteria Version 2. Collection method: clinical testing. Allele origin: germline. Affected: yes. Observed: 1 variant allele.
Comment: KCNQ1: PM1, PM2, PP3